The following is an entry in ClinVar:

ClinVar aggregate classification (germline): Uncertain significance. Review status: criteria provided, multiple submitters, no conflicts (2 of 4 stars). 6 submissions from 6 submitters: Uncertain significance (5). 1 of the submissions does not count toward it. Last evaluated 2025-09-23.

Conditions:
Congenital sideroblastic anemia-B-cell immunodeficiency-periodic fever-developmental delay syndrome. Also called: Sideroblastic anemia with B-cell immunodeficiency, periodic fevers, and developmental delay. Identifiers: Orphanet 369861, MedGen C4015172, MONDO:0014487, OMIM 616084.
Inborn genetic diseases. Identifiers: MedGen C0950123, MeSH D030342.
Retinal dystrophy. Also called: Inherited retinal dystrophy. Identifiers: Orphanet 71862, MedGen C0854723, MeSH D058499, MONDO:0019118, HP:0000556.

Allele frequency attached by ClinVar (database versions not stated): ESP Exome Variant Server 0.00008; ExAC 0.00013; TOPMed 0.00018.
gnomAD v4.1: 378 of 1,613,244 alleles (0.023%); highest among the groups gnomAD compares: Non-Finnish European, 0.031%; no homozygotes.

Submissions (6):

Mayo Clinic Laboratories, Mayo Clinic
Classification: Uncertain significance. Last evaluated: 2025-09-23. Review status: criteria provided, single submitter. Criteria: ACMG Guidelines, 2015. Collection method: clinical testing. Allele origin: germline. Observed: 1 variant allele.
Comment: BP4_moderate

ARUP Laboratories, Molecular Genetics and Genomics, ARUP Laboratories
Classification: Uncertain significance. Last evaluated: 2025-03-13. Review status: criteria provided, single submitter. Criteria: ARUP Molecular Germline Variant Investigation Process 2024. Collection method: clinical testing. Allele origin: germline.
Comment: The TRNT1 c.1291A>G; p.Ile431Val variant (rs142642881), to our knowledge, is not reported in the medical literature but is reported in ClinVar (Variation ID: 947843). This variant is found in the non-Finnish European population with an allele frequency of 0.03% (39/128,594 alleles) in the Genome Aggregation Database (v2.1.1). Computational analyses predict that this variant is neutral (REVEL: 0.033). Due to limited information, the clinical significance of this variant is uncertain at this time.

Labcorp Genetics (formerly Invitae), Labcorp
Classification: Uncertain significance for Congenital sideroblastic anemia-B-cell immunodeficiency-periodic fever-developmental delay syndrome. Last evaluated: 2025-01-06. Review status: criteria provided, single submitter. Criteria: Invitae Variant Classification Sherloc (09022015). Collection method: clinical testing. Allele origin: germline.
Comment: This sequence change replaces isoleucine, which is neutral and non-polar, with valine, which is neutral and non-polar, at codon 431 of the TRNT1 protein (p.Ile431Val). This variant is present in population databases (rs142642881, gnomAD 0.03%). This variant has not been reported in the literature in individuals affected with TRNT1-related conditions. ClinVar contains an entry for this variant (Variation ID: 947843). An algorithm developed to predict the effect of missense changes on protein structure and function outputs the following: PolyPhen-2: "Benign". The valine amino acid residue is found in multiple mammalian species, which suggests that this missense change does not adversely affect protein function. In summary, the available evidence is currently insufficient to determine the role of this variant in disease. Therefore, it has been classified as a Variant of Uncertain Significance.

Ambry Genetics
Classification: Uncertain significance for Inborn genetic diseases. Last evaluated: 2023-09-20. Review status: criteria provided, single submitter. Criteria: Ambry Variant Classification Scheme 2023. Collection method: clinical testing. Allele origin: germline.

GeneDx
Classification: Uncertain significance. Last evaluated: 2023-07-24. Review status: criteria provided, single submitter. Criteria: GeneDx Variant Classification Process June 2021. Collection method: clinical testing. Allele origin: germline. Affected: yes.
Comment: In silico analysis supports that this missense variant does not alter protein structure/function; Has not been previously published as pathogenic or benign to our knowledge

Institute of Human Genetics, Univ. Regensburg, Univ. Regensburg
Classification: Uncertain significance for Retinal dystrophy. Last evaluated: 2023-01-01. Review status: no assertion criteria provided. Criteria: ACMG Guidelines, 2015. Collection method: clinical testing. Allele origin: germline. Affected: yes. Not counted in ClinVar's aggregate classification.

NM_182916.3(TRNT1):c.1291A>G (p.Ile431Val)

Gene: TRNT1 (tRNA nucleotidyl transferase 1; plus strand). Cytogenetic location: 3p26.2.
Variant type: single nucleotide variant.
Coding change: c.1291A>G on transcript NM_182916.3 (MANE Select); coding-DNA position 1291, A replaced by G.
Protein change: p.Ile431Val; replaces isoleucine 431 with valine.
Molecular consequence: missense variant. On other transcripts: non-coding transcript variant (8).
Genome position (GRCh38, 1-based): chr3:3,148,140, A>G. VCF-style: chr3-3148140-A-G. GRCh37 (hg19) VCF-style: chr3-3189824-A-G.
Other names: p.Ile431Val; c.1231A>G, p.Ile411Val (NM_001302946.2); c.1291A>G, p.Ile431Val (NM_001367321.1, NM_001367322.1, NM_001367323.1); short protein forms I411V, I431V.
Identifiers: ClinVar variation 947843 (VCV000947843.10), dbSNP rs142642881, ClinGen allele CA2228936.